The following is an entry in ClinVar:

NM_001244008.2(KIF1A):c.1498A>C (p.Thr500Pro)

Gene: KIF1A (kinesin family member 1A; minus strand). Cytogenetic location: 2q37.3.
Variant type: single nucleotide variant.
Coding change: c.1498A>C on transcript NM_001244008.2 (MANE Select); coding-DNA position 1498, A replaced by C.
Protein change: p.Thr500Pro; replaces threonine 500 with proline.
Molecular consequence: missense variant.
Genome position (GRCh38, 1-based): chr2:240,767,345, T>G on the plus strand (A>C on the coding strand, the complement: KIF1A is on the minus strand). VCF-style: chr2-240767345-T-G. GRCh37 (hg19) VCF-style: chr2-241706762-T-G.
Other names: c.1498A>C, p.Thr500Pro (NM_001320705.2, NM_001330289.2, NM_001379638.1); c.1573A>C, p.Thr525Pro (NM_001330290.2, NM_001379631.1, NM_001379634.1 and 2 more transcripts); c.1471A>C, p.Thr491Pro (NM_001379632.1, NM_001379633.1, NM_001379636.1 and 11 more transcripts); c.1546A>C, p.Thr516Pro (NM_001379637.1, NM_001379648.1); short protein forms T491P, T500P, T516P, T525P.
Identifiers: ClinVar variation 2662501 (VCV002662501.1), dbSNP rs2125927390, ClinGen allele CA351328690.

ClinVar aggregate classification (germline): Uncertain significance (1 of 4 stars; one submission).

Submission:

GeneDx
Classification: Uncertain significance. Last evaluated: 2023-04-05. Review status: criteria provided, single submitter. Criteria: GeneDx Variant Classification Process June 2021. Collection method: clinical testing. Allele origin: germline. Affected: yes.
Comment: Not observed at significant frequency in large population cohorts (gnomAD); In silico analysis supports that this missense variant has a deleterious effect on protein structure/function; Has not been previously published as pathogenic or benign to our knowledge